The following is an entry in ClinVar:

ClinVar aggregate classification (germline): Uncertain significance (1 of 4 stars; one submission).

Conditions:
Inborn genetic diseases. Identifiers: MedGen C0950123, MeSH D030342.

gnomAD v4.1: 3 of 1,613,868 alleles (0.00019%); highest among the groups gnomAD compares: Non-Finnish European, 0.00025%; no homozygotes.

Submission:

Ambry Genetics
Classification: Uncertain significance for Inborn genetic diseases. Last evaluated: 2025-01-19. Review status: criteria provided, single submitter. Criteria: Ambry Variant Classification Scheme 2023. Collection method: clinical testing. Allele origin: germline.
Comment: The p.V693L variant (also known as c.2077G>T), located in coding exon 18 of the KDM1A gene, results from a G to T substitution at nucleotide position 2077. The valine at codon 693 is replaced by leucine, an amino acid with highly similar properties. This amino acid position is conserved. In addition, this alteration is predicted to be deleterious by in silico analysis. Based on the available evidence, the clinical significance of this variant remains unclear.

NM_001009999.3(KDM1A):c.2077G>T (p.Val693Leu)

Gene: KDM1A (lysine demethylase 1A; plus strand). Cytogenetic location: 1p36.12.
Variant type: single nucleotide variant.
Coding change: c.2077G>T on transcript NM_001009999.3 (MANE Select); coding-DNA position 2077, G replaced by T.
Protein change: p.Val693Leu; replaces valine 693 with leucine.
Molecular consequence: missense variant.
Genome position (GRCh38, 1-based): chr1:23,079,574, G>T. VCF-style: chr1-23079574-G-T. GRCh37 (hg19) VCF-style: chr1-23406067-G-T.
Other names: c.2023G>T, p.Val675Leu (NM_001363654.2); c.2083G>T, p.Val695Leu (NM_001410762.1); c.2005G>T, p.Val669Leu (NM_001410763.1, NM_015013.4); short protein forms V675L, V669L, V693L, V695L.
Identifiers: ClinVar variation 3863278 (VCV003863278.1).